The following is an entry in ClinVar:

ClinVar aggregate classification (germline): Uncertain significance. Review status: criteria provided, multiple submitters, no conflicts (2 of 4 stars). 5 submissions from 5 submitters: Uncertain significance (5). Last evaluated 2025-01-01.

Conditions:
Inborn genetic diseases. Identifiers: MedGen C0950123, MeSH D030342.
Primary open angle glaucoma (POAG). Also called: OPTN-related open angle glaucoma. Identifiers: MedGen C0339573, MONDO:0100553, OMIM 137760.
Amyotrophic lateral sclerosis type 12 (ALS12). Also called: AMYOTROPHIC LATERAL SCLEROSIS 12 WITH OR WITHOUT FRONTOTEMPORAL DEMENTIA. Identifiers: Orphanet 803, MedGen C3150692, MONDO:0013264, OMIM 613435.
Glaucoma 1, open angle, E. Identifiers: MedGen C1842026, MONDO:0007665.
OPTN-related disorder. Also called: OPTN-related disorders; OPTN-related condition.

Allele frequency attached by ClinVar (database versions not stated): gnomAD 0.00001; gnomAD exomes 0.00001; ExAC 0.00002; TOPMed 0.00002.
gnomAD v4.1: 17 of 1,613,870 alleles (0.0011%); highest among the groups gnomAD compares: Middle Eastern, 0.12%; no homozygotes.

Submissions (5):

CeGaT Center for Human Genetics Tuebingen
Classification: Uncertain significance. Last evaluated: 2025-01-01. Review status: criteria provided, single submitter. Criteria: CeGaT Center For Human Genetics Tuebingen Variant Classification Criteria Version 2. Collection method: clinical testing. Allele origin: germline. Affected: yes. Observed: 1 variant allele.
Comment: OPTN: PM2, BP4

PreventionGenetics, part of Exact Sciences
Classification: Uncertain significance for OPTN-related condition. Last evaluated: 2022-10-07. Review status: criteria provided, single submitter. Criteria: ACMG Guidelines, 2015. Collection method: clinical testing. Allele origin: germline.
Comment: The OPTN c.46C>G variant is predicted to result in the amino acid substitution p.Pro16Ala. This variant was reported in an individual with amyotrophic lateral sclerosis (Lattante et al 2012. PubMed ID: 22722621). This variant is reported in 0.0026% of alleles in individuals of European (Non-Finnish) descent in gnomAD. At this time, the clinical significance of this variant is uncertain due to the absence of conclusive functional and genetic evidence.

Labcorp Genetics (formerly Invitae), Labcorp
Classification: Uncertain significance for Primary open angle glaucoma; Glaucoma 1, open angle, E; Amyotrophic lateral sclerosis type 12. Last evaluated: 2021-11-24. Review status: criteria provided, single submitter. Criteria: Invitae Variant Classification Sherloc (09022015). Collection method: clinical testing. Allele origin: germline.
Comment: This sequence change replaces proline, which is neutral and non-polar, with alanine, which is neutral and non-polar, at codon 16 of the OPTN protein (p.Pro16Ala). This variant is present in population databases (rs758942502, gnomAD 0.003%). This missense change has been observed in individual(s) with amyotrophic lateral sclerosis (PMID: 22722621). ClinVar contains an entry for this variant (Variation ID: 447911). Algorithms developed to predict the effect of missense changes on protein structure and function (SIFT, PolyPhen-2, Align-GVGD) all suggest that this variant is likely to be tolerated. In summary, the available evidence is currently insufficient to determine the role of this variant in disease. Therefore, it has been classified as a Variant of Uncertain Significance.

Ambry Genetics
Classification: Uncertain significance for Inborn genetic diseases. Last evaluated: 2020-06-29. Review status: criteria provided, single submitter. Criteria: Ambry Variant Classification Scheme 2023. Collection method: clinical testing. Allele origin: germline.
Comment: The p.P16A variant (also known as c.46C>G), located in coding exon 1 of the OPTN gene, results from a C to G substitution at nucleotide position 46. The proline at codon 16 is replaced by alanine, an amino acid with highly similar properties. This amino acid position is not well conserved in available vertebrate species. This variant has been described in a single individual affected with sporadic ALS but zygosity of the alteration is unclear (Lattante S et al. Neurology, 2012 Jul;79:66-72). In addition, the in silico prediction for this alteration is inconclusive. Since supporting evidence is limited at this time, the clinical significance of this alteration remains unclear.

Athena Diagnostics
Classification: Uncertain significance. Last evaluated: 2017-02-13. Review status: criteria provided, single submitter. Criteria: Athena Diagnostics Criteria. Collection method: clinical testing. Allele origin: germline.

Literature cited by the submitters: PubMed 22722621 (cited by Labcorp Genetics (formerly Invitae), Labcorp and Ambry Genetics).

NM_001008212.2(OPTN):c.46C>G (p.Pro16Ala)

Genes: OPTN (optineurin; plus strand), LOC108903148 (10p13 OPTN distal Alu-mediated recombination region; plus strand). Cytogenetic location: 10p13.
Variant type: single nucleotide variant.
Coding change: c.46C>G on transcript NM_001008212.2 (MANE Select); coding-DNA position 46, C replaced by G.
Protein change: p.Pro16Ala; replaces proline 16 with alanine.
Molecular consequence: missense variant.
Genome position (GRCh38, 1-based): chr10:13,109,168, C>G. VCF-style: chr10-13109168-C-G. GRCh37 (hg19) VCF-style: chr10-13151168-C-G.
Other names: c.46C>G, p.Pro16Ala (NM_001008211.1, NM_001008213.1, NM_021980.4); short protein forms P16A.
Identifiers: ClinVar variation 447911 (VCV000447911.23), dbSNP rs758942502, ClinGen allele CA5410495.